The following is an entry in ClinVar:

ClinVar aggregate classification (germline): Uncertain significance (1 of 4 stars; one submission).

Conditions:
SPECC1L-related disorder. Also called: SPECC1L-related condition.

gnomAD v4.1: 2 of 1,613,956 alleles (0.00012%); highest among the groups gnomAD compares: Admixed American, 0.0033%; no homozygotes.

Submission:

PreventionGenetics, part of Exact Sciences
Classification: Uncertain significance for SPECC1L-related condition. Last evaluated: 2026-06-15. Review status: criteria provided, single submitter. Criteria: ACMG Guidelines, 2015. Collection method: clinical testing. Allele origin: germline.
Comment: The SPECC1L c.2633C>T variant is predicted to result in the amino acid substitution p.Ala878Val. To our knowledge, this variant has not been reported in the literature. This variant is reported in 0.0029% of alleles in individuals of Latino descent in gnomAD. At this time, the clinical significance of this variant is uncertain due to the absence of conclusive functional and genetic evidence.

NM_015330.6(SPECC1L):c.2633C>T (p.Ala878Val)

Genes: SPECC1L (sperm antigen with calponin homology and coiled-coil domains 1 like; plus strand), SPECC1L-ADORA2A (SPECC1L-ADORA2A readthrough (NMD candidate); plus strand). Cytogenetic location: 22q11.23.
Variant type: single nucleotide variant.
Coding change: c.2633C>T on transcript NM_015330.6 (MANE Select); coding-DNA position 2633, C replaced by T.
Protein change: p.Ala878Val; replaces alanine 878 with valine.
Molecular consequence: missense variant. On other transcripts: non-coding transcript variant (1).
Genome position (GRCh38, 1-based): chr22:24,338,458, C>T. VCF-style: chr22-24338458-C-T. GRCh37 (hg19) VCF-style: chr22-24734426-C-T.
Other names: c.2633C>T, p.Ala878Val (NM_001145468.4, NM_001254732.3); short protein forms A878V.
Identifiers: ClinVar variation 4994723 (VCV004994723.1).